The following is an entry in ClinVar:

ClinVar aggregate classification (germline): Conflicting classifications of pathogenicity. Review status: criteria provided, conflicting classifications (1 of 4 stars). 3 submissions from 3 submitters: Uncertain significance (1); Likely benign (1). 1 of the submissions does not count toward it. Last evaluated 2025-11-20.

Conditions:
PCNT-related disorder. Also called: PCNT-related condition.
Microcephalic osteodysplastic primordial dwarfism type II (MOPD2). Also called: Microcephalic osteodysplastic primordial dwarfism with tooth abnormalities; MOPD II; OSTEODYSPLASTIC PRIMORDIAL DWARFISM, TYPE II. Identifiers: Orphanet 2637, MedGen C0432246, MONDO:0008872, OMIM 210720.

Allele frequency attached by ClinVar (database versions not stated): gnomAD exomes 0.00002; gnomAD 0.00003; TOPMed 0.00005.
gnomAD v4.1: 27 of 1,613,916 alleles (0.0017%); highest among the groups gnomAD compares: East Asian, 0.022%; no homozygotes.

Submissions (3):

Labcorp Genetics (formerly Invitae), Labcorp
Classification: Likely benign. Last evaluated: 2025-11-20. Review status: criteria provided, single submitter. Criteria: Invitae Variant Classification Sherloc (09022015). Collection method: clinical testing. Allele origin: germline.

Genetic Services Laboratory, University of Chicago
Classification: Uncertain significance for Microcephalic osteodysplastic primordial dwarfism, type II. Last evaluated: 2013-02-08. Review status: criteria provided, single submitter. Criteria: ACMG Guidelines, 2007. Collection method: clinical testing. Allele origin: germline. Inheritance: Autosomal recessive inheritance.

PreventionGenetics, part of Exact Sciences
Classification: Likely benign for PCNT-related condition. Last evaluated: 2023-08-10. Review status: no assertion criteria provided. Collection method: clinical testing. Allele origin: germline. Not counted in ClinVar's aggregate classification.
Comment: This variant is classified as likely benign based on ACMG/AMP sequence variant interpretation guidelines (Richards et al. 2015 PMID: 25741868, with internal and published modifications).

NM_006031.6(PCNT):c.336T>C (p.His112=)

Gene: PCNT (pericentrin; plus strand). Cytogenetic location: 21q22.3.
Variant type: single nucleotide variant.
Coding change: c.336T>C on transcript NM_006031.6 (MANE Select); coding-DNA position 336, T replaced by C.
Protein change: p.His112=; no amino-acid change (histidine 112 retained).
Molecular consequence: synonymous variant. On other transcripts: 5 prime UTR variant (1).
Genome position (GRCh38, 1-based): chr21:46,334,465, T>C. VCF-style: chr21-46334465-T-C. GRCh37 (hg19) VCF-style: chr21-47754379-T-C.
Other names: c.-19T>C (NM_001315529.2).
Identifiers: ClinVar variation 159586 (VCV000159586.11), dbSNP rs59157477, ClinGen allele CA251050.